The following is an entry in ClinVar:

ClinVar aggregate classification (germline): Likely pathogenic (1 of 4 stars; one submission).

Conditions:
Intellectual developmental disorder, X-linked, syndromic 37. Identifiers: MedGen C5935567, MONDO:0958322, OMIM 301118.

Submission:

Clinical Genetics DNA and cytogenetics Diagnostics Lab, Erasmus MC, Erasmus Medical Center
Classification: Likely pathogenic for Intellectual developmental disorder, X-linked, syndromic 37. Last evaluated: 2025-07-10. Review status: criteria provided, single submitter. Criteria: ACMG Guidelines, 2015. Collection method: clinical testing. Allele origin: maternal. Inheritance: X-linked inheritance. Affected: yes. Observed: 2 variant alleles.
Comment: ACMG criteria: PM2_mod: absent in gnomADv4.1; PM1_mod.: mutational hot spot and present in functional domain; +PP4_mod; specific for phenotype; + PP3_sup: (PolyPhen2: 0.998, CADD 26.9; SIFT:0.00; Alpha missense: 0.7558)

NM_003410.4(ZFX):c.2363C>G (p.Pro788Arg)

Gene: ZFX (zinc finger protein X-linked; plus strand). Cytogenetic location: Xp22.11.
Variant type: single nucleotide variant.
Coding change: c.2363C>G on transcript NM_003410.4 (MANE Select); coding-DNA position 2363, C replaced by G.
Protein change: p.Pro788Arg; replaces proline 788 with arginine.
Molecular consequence: missense variant. On other transcripts: 3 prime UTR variant (1).
Genome position (GRCh38, 1-based): chrX:24,211,321, C>G. VCF-style: chrX-24211321-C-G. GRCh37 (hg19) VCF-style: chrX-24229438-C-G.
Other names: c.2363C>G, p.Pro788Arg (NM_001178084.2, NM_001178085.1); c.1676C>G, p.Pro559Arg (NM_001178086.2); c.*1123C>G (NM_001178095.2); c.2480C>G, p.Pro827Arg (NM_001330327.2); short protein forms P559R, P788R, P827R.
Identifiers: ClinVar variation 4070904 (VCV004070904.1).